The following is an entry in ClinVar:

NM_000092.5(COL4A4):c.3398-5C>G

Gene: COL4A4 (collagen type IV alpha 4 chain; minus strand). Cytogenetic location: 2q36.3.
Variant type: single nucleotide variant.
Coding change: c.3398-5C>G on transcript NM_000092.5 (MANE Select); 5 bases into the intron before coding-DNA position 3398, C replaced by G.
Molecular consequence: intron variant.
Genome position (GRCh38, 1-based): chr2:227,042,260, G>C on the plus strand (C>G on the coding strand, the complement: COL4A4 is on the minus strand). VCF-style: chr2-227042260-G-C. GRCh37 (hg19) VCF-style: chr2-227906976-G-C.
Identifiers: ClinVar variation 1339904 (VCV001339904.8), dbSNP rs1334751349, ClinGen allele CA765658973.

ClinVar aggregate classification (germline): Likely benign (1 of 4 stars; one submission).

Conditions:
Alport syndrome. Also called: Hemorrhagic familial nephritis; Hemorrhagic hereditary nephritis; Congenital hereditary hematuria. Identifiers: Orphanet 63, MedGen C1567741, MONDO:0018965.
Autosomal recessive Alport syndrome (ATS2). Also called: COL4A4 Alport Syndrome and Thin Basement Membrane Nephropathy; ALPORT SYNDROME 2, AUTOSOMAL RECESSIVE; Alport syndrome type 2; COL4A3-Related Nephropathy. Identifiers: Orphanet 63, Orphanet 88919, MedGen C4746745, MONDO:0008762, OMIM 203780.

Allele frequency attached by ClinVar (database versions not stated): gnomAD exomes 0.00001; TOPMed 0.00001.
gnomAD v4.1: 8 of 1,575,816 alleles (0.00051%); highest among the groups gnomAD compares: Non-Finnish European, 0.0007%; no homozygotes.

Submission:

Labcorp Genetics (formerly Invitae), Labcorp
Classification: Likely benign. Last evaluated: 2024-02-16. Review status: criteria provided, single submitter. Criteria: Invitae Variant Classification Sherloc (09022015). Collection method: clinical testing. Allele origin: germline.